The following is an entry in ClinVar:

ClinVar aggregate classification (germline): Uncertain significance. Review status: criteria provided, multiple submitters, no conflicts (2 of 4 stars). 2 submissions from 2 submitters: Uncertain significance (2). Last evaluated 2025-12-16.

Conditions:
Ehlers-Danlos syndrome, classic type, 1 (EDSCL1). Also called: EDS I; EHLERS-DANLOS SYNDROME, GRAVIS TYPE; EHLERS-DANLOS SYNDROME, SEVERE CLASSIC TYPE; Ehlers-Danlos syndrome, type 1; Ehlers-Danlos Syndrome, Classic Type, COL5A1-Related. Identifiers: MedGen C0268335, MONDO:0019567, OMIM 130000.
Familial thoracic aortic aneurysm and aortic dissection (TAAD). Also called: Thoracic aortic aneurysms and dissections. Identifiers: Orphanet 91387, MedGen C4707243, MONDO:0019625.

Allele frequency attached by ClinVar (database versions not stated): gnomAD exomes below 0.00001.
gnomAD v4.1: 3 of 1,613,500 alleles (0.00019%); highest among the groups gnomAD compares: Non-Finnish European, 0.00025%; no homozygotes.

Submissions (2):

Labcorp Genetics (formerly Invitae), Labcorp
Classification: Uncertain significance for Ehlers-Danlos syndrome, classic type, 1. Last evaluated: 2025-12-16. Review status: criteria provided, single submitter. Criteria: Invitae Variant Classification Sherloc (09022015). Collection method: clinical testing. Allele origin: germline.
Comment: This sequence change replaces alanine, which is neutral and non-polar, with threonine, which is neutral and polar, at codon 1323 of the COL5A2 protein (p.Ala1323Thr). This variant is not present in population databases (gnomAD no frequency). This variant has not been reported in the literature in individuals affected with COL5A2-related conditions. ClinVar contains an entry for this variant (Variation ID: 2449422). Invitae Evidence Modeling of protein sequence and biophysical properties (such as structural, functional, and spatial information, amino acid conservation, physicochemical variation, residue mobility, and thermodynamic stability) indicates that this missense variant is not expected to disrupt COL5A2 protein function with a negative predictive value of 80%. In summary, the available evidence is currently insufficient to determine the role of this variant in disease. Therefore, it has been classified as a Variant of Uncertain Significance.

Ambry Genetics
Classification: Uncertain significance for Familial thoracic aortic aneurysm and aortic dissection. Last evaluated: 2022-12-05. Review status: criteria provided, single submitter. Criteria: Ambry Variant Classification Scheme 2023. Collection method: clinical testing. Allele origin: germline.
Comment: The p.A1323T variant (also known as c.3967G>A), located in coding exon 52 of the COL5A2 gene, results from a G to A substitution at nucleotide position 3967. The alanine at codon 1323 is replaced by threonine, an amino acid with similar properties. This amino acid position is highly conserved in available vertebrate species. In addition, this alteration is predicted to be deleterious by in silico analysis. Since supporting evidence is limited at this time, the clinical significance of this alteration remains unclear.

NM_000393.5(COL5A2):c.3967G>A (p.Ala1323Thr)

Gene: COL5A2 (collagen type V alpha 2 chain; minus strand). Cytogenetic location: 2q32.2.
Variant type: single nucleotide variant.
Coding change: c.3967G>A on transcript NM_000393.5 (MANE Select); coding-DNA position 3967, G replaced by A.
Protein change: p.Ala1323Thr; replaces alanine 1323 with threonine.
Molecular consequence: missense variant.
Genome position (GRCh38, 1-based): chr2:189,036,762, C>T on the plus strand (G>A on the coding strand, the complement: COL5A2 is on the minus strand). VCF-style: chr2-189036762-C-T. GRCh37 (hg19) VCF-style: chr2-189901488-C-T.
Other names: short protein forms A1323T.
Identifiers: ClinVar variation 2449422 (VCV002449422.3), dbSNP rs2469214511, ClinGen allele CA349856111.